The following is an entry in ClinVar:

NM_153676.4(USH1C):c.1793G>A (p.Arg598His)

Gene: USH1C (USH1 protein network component harmonin; minus strand). Cytogenetic location: 11p15.1.
Variant type: single nucleotide variant.
Coding change: c.1793G>A on transcript NM_153676.4 (MANE Select); coding-DNA position 1793, G replaced by A.
Protein change: p.Arg598His; replaces arginine 598 with histidine.
Molecular consequence: missense variant. On other transcripts: intron variant (2).
Genome position (GRCh38, 1-based): chr11:17,509,576, C>T on the plus strand (G>A on the coding strand, the complement: USH1C is on the minus strand). VCF-style: chr11-17509576-C-T. GRCh37 (hg19) VCF-style: chr11-17531123-C-T.
Other names: c.1228-7596G>A (NM_001297764.2); c.1285-7596G>A (NM_005709.4); short protein forms R598H.
Identifiers: ClinVar variation 1315460 (VCV001315460.3), dbSNP rs767863235, ClinGen allele CA5904442.
Genomic context (GRCh38, chr11:17,509,576, plus strand): 5'-GGAGTGAGGTCTTGGGTGGGAACGGATGGCGGGGGAGGGATGGGAATGGGGGGTGGAGTG[C>T]GCTGCACCCATGGAGAGGATGAGGCGCTCACATGGCCAGATAAGGGAAGGACAGGGGGCG-3'
Protein context (NP_710142.1, residues 588-608): VSASSSPWVQ[Arg598His]TPPPIPIPPP

ClinVar aggregate classification (germline): Uncertain significance. Review status: criteria provided, multiple submitters, no conflicts (2 of 4 stars). 2 submissions from 2 submitters: Uncertain significance (2). Last evaluated 2022-01-22.

Conditions:
Usher syndrome type 1C. Also called: USHER SYNDROME, TYPE I, ACADIAN VARIETY. Identifiers: Orphanet 231169, Orphanet 886, MedGen C1848604, MONDO:0010171, OMIM 276904.
Autosomal recessive nonsyndromic hearing loss 18A. Also called: Deafness, autosomal recessive 18A; DEAFNESS, AUTOSOMAL RECESSIVE 18. Identifiers: Orphanet 90636, MedGen C1865870, MONDO:0011192, OMIM 602092.
Usher syndrome type 1 (USH1). Also called: RETINITIS PIGMENTOSA AND CONGENITAL DEAFNESS. Identifiers: Orphanet 231169, Orphanet 886, MedGen C1568247, MONDO:0010168, OMIM 276900.

Allele frequency attached by ClinVar (database versions not stated): ExAC 0.00001; gnomAD exomes 0.00001; gnomAD 0.00003 and 0.00004; TOPMed 0.00003.
gnomAD v4.1: 22 of 1,596,638 alleles (0.0014%); highest among the groups gnomAD compares: African/African-American, 0.011%; no homozygotes.

Submissions (2):

Fulgent Genetics
Classification: Uncertain significance for Usher syndrome type 1; Usher syndrome type 1C; Autosomal recessive nonsyndromic hearing loss 18A. Last evaluated: 2022-01-22. Review status: criteria provided, single submitter. Criteria: ACMG Guidelines, 2015. Collection method: clinical testing. Allele origin: unknown.

GeneDx
Classification: Uncertain significance. Last evaluated: 2021-03-02. Review status: criteria provided, single submitter. Criteria: GeneDx Variant Classification Process June 2021. Collection method: clinical testing. Allele origin: germline. Affected: yes.
Comment: Not observed at a significant frequency in large population cohorts (Lek et al., 2016); In silico analysis supports that this missense variant does not alter protein structure/function; Located in an alternatively spliced region of USH1C, which is present only in the cochlear isoform; Has not been previously published as pathogenic or benign to our knowledge